The following is an entry in ClinVar:

ClinVar aggregate classification (germline): Conflicting classifications of pathogenicity. Review status: criteria provided, conflicting classifications (1 of 4 stars). 2 submissions from 2 submitters: Uncertain significance (1); Likely benign (1). Last evaluated 2023-03-23.

Conditions:
Hereditary cancer-predisposing syndrome. Also called: Neoplastic Syndromes, Hereditary; Tumor predisposition; Hereditary Cancer Syndrome; Hereditary neoplastic syndrome. Identifiers: Orphanet 140162, MedGen C0027672, MeSH D009386, MONDO:0015356.

Submissions (2):

University of Washington Department of Laboratory Medicine, University of Washington
Classification: Likely benign for Hereditary cancer-predisposing syndrome. Last evaluated: 2023-03-23. Review status: criteria provided, single submitter. Criteria: Dines et al. (Genet Med. 2020). Collection method: curation. Allele origin: germline.
Comment: Missense variant in a coldspot region where missense variants are very unlikely to be pathogenic (PMID:31911673).

BRCA2 exon 11 coldspot. Reclassification based on statistical prior probability.

Ambry Genetics
Classification: Uncertain significance for Hereditary cancer-predisposing syndrome. Last evaluated: 2015-09-28. Review status: criteria provided, single submitter. Criteria: Ambry Variant Classification Scheme 2023. Collection method: clinical testing. Allele origin: germline.
Comment: The p.C1885F variant (also known as c.5654G>T), located in coding exon 10 of the BRCA2 gene, results from a G to T substitution at nucleotide position 5654. The cysteine at codon 1885 is replaced by phenylalanine, an amino acid with highly dissimilar properties. This variant was not reported in population based cohorts in the following databases: Database of Single Nucleotide Polymorphisms (dbSNP), NHLBI Exome Sequencing Project (ESP), and 1000 Genomes Project. In the ESP, this variant was not observed in 6501 samples (13002 alleles) with coverage at this position. To date, this alteration has been detected with an allele frequency of approximately 0.001% (greater than 150000 alleles tested) in our clinical cohort. This amino acid position is poorly conserved in available vertebrate species. In addition, the in silico prediction for this alteration is inconclusive. Since supporting evidence is limited at this time, the clinical significance of p.C1885F remains unclear.

NM_000059.4(BRCA2):c.5654G>T (p.Cys1885Phe)

Gene: BRCA2 (BRCA2 DNA repair associated; plus strand). Cytogenetic location: 13q13.1.
Variant type: single nucleotide variant.
Coding change: c.5654G>T on transcript NM_000059.4 (MANE Select); coding-DNA position 5654, G replaced by T.
Protein change: p.Cys1885Phe; replaces cysteine 1885 with phenylalanine.
Molecular consequence: missense variant.
Genome position (GRCh38, 1-based): chr13:32,340,009, G>T. VCF-style: chr13-32340009-G-T. GRCh37 (hg19) VCF-style: chr13-32914146-G-T.
Other names: short protein forms C1885F.
Identifiers: ClinVar variation 234108 (VCV000234108.7), dbSNP rs876660854, ClinGen allele CA10579659.
Genomic context (GRCh38, chr13:32,340,009, plus strand): 5'-TATTTACAGACAGTTTCAGTAAAGTAATTAAGGAAAACAACGAGAATAAATCAAAAATTT[G>T]CCAAACGAAAATTATGGCAGGTTGTTACGAGGCATTGGATGATTCAGAGGATATTCTTCA-3'
Protein context (NP_000050.3, residues 1875-1895): KENNENKSKI[Cys1885Phe]QTKIMAGCYE